The following is an entry in ClinVar:

NM_002468.5(MYD88):c.587G>A (p.Arg196His)

Gene: MYD88 (MYD88 innate immune signal transduction adaptor; plus strand). Cytogenetic location: 3p22.2.
Variant type: single nucleotide variant.
Coding change: c.587G>A on transcript NM_002468.5 (MANE Select); coding-DNA position 587, G replaced by A.
Protein change: p.Arg196His; replaces arginine 196 with histidine.
Molecular consequence: missense variant. On other transcripts: intron variant (2).
Genome position (GRCh38, 1-based): chr3:38,140,511, G>A. VCF-style: chr3-38140511-G-A. GRCh37 (hg19) VCF-style: chr3-38182002-G-A.
Other names: c.587G>A, p.Arg196His (NM_001172567.2, NM_001365876.1, NM_001374787.1); c.452G>A, p.Arg151His (NM_001172568.2, NM_001365877.1); c.464-246G>A (NM_001172569.3); c.329-246G>A (NM_001172566.2); short protein forms R151H, R209H, R196H.
Identifiers: ClinVar variation 2795156 (VCV002795156.3), dbSNP rs772678256, ClinGen allele CA2316163.

ClinVar aggregate classification (germline): Uncertain significance (1 of 4 stars; one submission).

Conditions:
Pyogenic bacterial infections due to MyD88 deficiency (IMD68). Also called: PYOGENIC BACTERIAL INFECTIONS, RECURRENT, DUE TO MYD88 DEFICIENCY. Identifiers: Orphanet 183713, MedGen C2677092, MONDO:0012839, OMIM 612260.

Allele frequency attached by ClinVar (database versions not stated): gnomAD exomes below 0.00001; ExAC 0.00001; TOPMed 0.00001.

Submission:

Labcorp Genetics (formerly Invitae), Labcorp
Classification: Uncertain significance for Pyogenic bacterial infections due to MyD88 deficiency. Last evaluated: 2023-01-27. Review status: criteria provided, single submitter. Criteria: Invitae Variant Classification Sherloc (09022015). Collection method: clinical testing. Allele origin: germline.
Comment: In summary, the available evidence is currently insufficient to determine the role of this variant in disease. Therefore, it has been classified as a Variant of Uncertain Significance. Algorithms developed to predict the effect of missense changes on protein structure and function (SIFT, PolyPhen-2, Align-GVGD) all suggest that this variant is likely to be disruptive. This variant has not been reported in the literature in individuals affected with MYD88-related conditions. This variant is present in population databases (rs772678256, gnomAD 0.007%). This sequence change replaces arginine, which is basic and polar, with histidine, which is basic and polar, at codon 209 of the MYD88 protein (p.Arg209His).